The following is an entry in ClinVar:

ClinVar aggregate classification (germline): Uncertain significance (1 of 4 stars; one submission).

Conditions:
Neuronal ceroid lipofuscinosis. Also called: Neuronal Ceroid Lipofuscinoses. Identifiers: Orphanet 216, Orphanet 79263, MedGen C0027877, MONDO:0016295. Disease mechanism: loss of function.

Allele frequency attached by ClinVar (database versions not stated): gnomAD exomes below 0.00001; TOPMed 0.00001; gnomAD 0.00002.
gnomAD v4.1: 7 of 1,597,732 alleles (0.00044%); highest among the groups gnomAD compares: African/African-American, 0.0068%; no homozygotes.

Submission:

Labcorp Genetics (formerly Invitae), Labcorp
Classification: Uncertain significance for Neuronal ceroid lipofuscinosis. Last evaluated: 2022-05-16. Review status: criteria provided, single submitter. Criteria: Invitae Variant Classification Sherloc (09022015). Collection method: clinical testing. Allele origin: germline.
Comment: This sequence change replaces glutamine, which is neutral and polar, with histidine, which is basic and polar, at codon 369 of the CLN5 protein (p.Gln369His). This variant is present in population databases (no rsID available, gnomAD 0.01%). This variant has not been reported in the literature in individuals affected with CLN5-related conditions. ClinVar contains an entry for this variant (Variation ID: 645130). Algorithms developed to predict the effect of missense changes on protein structure and function are either unavailable or do not agree on the potential impact of this missense change (SIFT: "Deleterious"; PolyPhen-2: "Possibly Damaging"; Align-GVGD: "Class C0"). In summary, the available evidence is currently insufficient to determine the role of this variant in disease. Therefore, it has been classified as a Variant of Uncertain Significance.

NM_006493.4(CLN5):c.960G>C (p.Gln320His)

Gene: CLN5 (CLN5 lysosomal BMP synthase; plus strand). Cytogenetic location: 13q22.3.
Variant type: single nucleotide variant.
Coding change: c.960G>C on transcript NM_006493.4 (MANE Select); coding-DNA position 960, G replaced by C.
Protein change: p.Gln320His; replaces glutamine 320 with histidine.
Molecular consequence: missense variant. On other transcripts: 3 prime UTR variant (1).
Genome position (GRCh38, 1-based): chr13:77,000,852, G>C. VCF-style: chr13-77000852-G-C. GRCh37 (hg19) VCF-style: chr13-77574987-G-C.
Other names: c.1107G>C (LRG_692t1); c.*409G>C (NM_001366624.2); short protein forms Q320H.
Identifiers: ClinVar variation 645130 (VCV000645130.6), dbSNP rs1455002686, ClinGen allele CA388314489.
Genomic context (GRCh38, chr13:77,000,852, plus strand): 5'-AACTAAAGAATTTCTGTTGAGTCTCTTGCAAATTTTTGATGCAGTGATTGTGCACAAACA[G>C]TTCTATTTGTTTTATAATTTTGAATATTGGTTTTTACCTATGAAATTCCCTTTTATTAAA-3'
Protein context (NP_006484.2, residues 310-330): QIFDAVIVHK[Gln320His]FYLFYNFEYW